The following is an entry in ClinVar:

NM_015338.6(ASXL1):c.1521T>G (p.Ile507Met)

Gene: ASXL1 (ASXL transcriptional regulator 1; plus strand). Cytogenetic location: 20q11.21.
Variant type: single nucleotide variant.
Coding change: c.1521T>G on transcript NM_015338.6 (MANE Select); coding-DNA position 1521, T replaced by G.
Protein change: p.Ile507Met; replaces isoleucine 507 with methionine.
Molecular consequence: missense variant.
Genome position (GRCh38, 1-based): chr20:32,433,719, T>G. VCF-style: chr20-32433719-T-G. GRCh37 (hg19) VCF-style: chr20-31021522-T-G.
Other names: c.1338T>G, p.Ile446Met (NM_001363734.1); short protein forms I446M, I507M.
Identifiers: ClinVar variation 3793097 (VCV003793097.1).

ClinVar aggregate classification (germline): Uncertain significance (1 of 4 stars; one submission).

Conditions:
Inborn genetic diseases. Identifiers: MedGen C0950123, MeSH D030342.

gnomAD v4.1: 8 of 1,613,148 alleles (0.0005%); highest among the groups gnomAD compares: Non-Finnish European, 0.00059%; no homozygotes.

Submission:

Ambry Genetics
Classification: Uncertain significance for Inborn genetic diseases. Last evaluated: 2025-02-02. Review status: criteria provided, single submitter. Criteria: Ambry Variant Classification Scheme 2023. Collection method: clinical testing. Allele origin: germline.
Comment: The p.I507M variant (also known as c.1521T>G), located in coding exon 12 of the ASXL1 gene, results from a T to G substitution at nucleotide position 1521. The isoleucine at codon 507 is replaced by methionine, an amino acid with highly similar properties. This amino acid position is conserved. In addition, this alteration is predicted to be tolerated by in silico analysis. Based on the available evidence, the clinical significance of this variant remains unclear.